The following is an entry in ClinVar:

NM_022095.4(ZNF335):c.2070G>T (p.Lys690Asn)

Gene: ZNF335 (zinc finger protein 335; minus strand). Cytogenetic location: 20q13.12.
Variant type: single nucleotide variant.
Coding change: c.2070G>T on transcript NM_022095.4 (MANE Select); coding-DNA position 2070, G replaced by T.
Protein change: p.Lys690Asn; replaces lysine 690 with asparagine.
Molecular consequence: missense variant.
Genome position (GRCh38, 1-based): chr20:45,959,384, C>A on the plus strand (G>T on the coding strand, the complement: ZNF335 is on the minus strand). VCF-style: chr20-45959384-C-A. GRCh37 (hg19) VCF-style: chr20-44588023-C-A.
Other names: short protein forms K690N.
Identifiers: ClinVar variation 2070164 (VCV002070164.4), dbSNP rs2515552056, ClinGen allele CA409245068.

ClinVar aggregate classification (germline): Uncertain significance (1 of 4 stars; one submission).

Submission:

Labcorp Genetics (formerly Invitae), Labcorp
Classification: Uncertain significance. Last evaluated: 2023-11-27. Review status: criteria provided, single submitter. Criteria: Invitae Variant Classification Sherloc (09022015). Collection method: clinical testing. Allele origin: germline.
Comment: This sequence change replaces lysine, which is basic and polar, with asparagine, which is neutral and polar, at codon 690 of the ZNF335 protein (p.Lys690Asn). This variant is not present in population databases (gnomAD no frequency). This variant has not been reported in the literature in individuals affected with ZNF335-related conditions. ClinVar contains an entry for this variant (Variation ID: 2070164). Advanced modeling of protein sequence and biophysical properties (such as structural, functional, and spatial information, amino acid conservation, physicochemical variation, residue mobility, and thermodynamic stability) performed at Invitae indicates that this missense variant is not expected to disrupt ZNF335 protein function with a negative predictive value of 80%. In summary, the available evidence is currently insufficient to determine the role of this variant in disease. Therefore, it has been classified as a Variant of Uncertain Significance.